The following is an entry in ClinVar:

NM_001283009.2(RTEL1):c.1298G>C (p.Arg433Thr)

Genes: RTEL1 (regulator of telomere elongation helicase 1; plus strand), RTEL1-TNFRSF6B (RTEL1-TNFRSF6B readthrough (NMD candidate); plus strand). Cytogenetic location: 20q13.33.
Variant type: single nucleotide variant.
Coding change: c.1298G>C on transcript NM_001283009.2 (MANE Select); coding-DNA position 1298, G replaced by C.
Protein change: p.Arg433Thr; replaces arginine 433 with threonine.
Molecular consequence: missense variant. On other transcripts: non-coding transcript variant (1).
Genome position (GRCh38, 1-based): chr20:63,685,822, G>C. VCF-style: chr20-63685822-G-C. GRCh37 (hg19) VCF-style: chr20-62317175-G-C.
Other names: c.629G>C, p.Arg210Thr (NM_001283010.1); c.1298G>C, p.Arg433Thr (NM_016434.4); c.1370G>C, p.Arg457Thr (NM_032957.5); short protein forms R210T, R457T, R433T.
Identifiers: ClinVar variation 3791001 (VCV003791001.1).

ClinVar aggregate classification (germline): Uncertain significance (1 of 4 stars; one submission).

Conditions:
Inborn genetic diseases. Identifiers: MedGen C0950123, MeSH D030342.

Submission:

Ambry Genetics
Classification: Uncertain significance for Inborn genetic diseases. Last evaluated: 2024-12-22. Review status: criteria provided, single submitter. Criteria: Ambry Variant Classification Scheme 2023. Collection method: clinical testing. Allele origin: germline.
Comment: The p.R433T variant (also known as c.1298G>C), located in coding exon 15 of the RTEL1 gene, results from a G to C substitution at nucleotide position 1298. The arginine at codon 433 is replaced by threonine, an amino acid with similar properties. This amino acid position is conserved. In addition, this alteration is predicted to be tolerated by in silico analysis. Based on the available evidence, the clinical significance of this variant remains unclear.